The following is an entry in ClinVar:

NM_031407.7(HUWE1):c.5594G>C (p.Arg1865Pro)

Gene: HUWE1 (HECT, UBA and WWE domain containing E3 ubiquitin protein ligase 1; minus strand). Cytogenetic location: Xp11.22.
Variant type: single nucleotide variant.
Coding change: c.5594G>C on transcript NM_031407.7 (MANE Select); coding-DNA position 5594, G replaced by C.
Protein change: p.Arg1865Pro; replaces arginine 1865 with proline.
Molecular consequence: missense variant.
Genome position (GRCh38, 1-based): chrX:53,580,953, C>G on the plus strand (G>C on the coding strand, the complement: HUWE1 is on the minus strand). VCF-style: chrX-53580953-C-G. GRCh37 (hg19) VCF-style: chrX-53607913-C-G.
Other names: short protein forms R1865P.
Identifiers: ClinVar variation 1748506 (VCV001748506.2), dbSNP rs2063586388, ClinGen allele CA413173238.

ClinVar aggregate classification (germline): Uncertain significance (1 of 4 stars; one submission).

Conditions:
Inborn genetic diseases. Identifiers: MedGen C0950123, MeSH D030342.

Submission:

Ambry Genetics
Classification: Uncertain significance for Inborn genetic diseases. Last evaluated: 2018-09-21. Review status: criteria provided, single submitter. Criteria: Ambry Variant Classification Scheme 2023. Collection method: clinical testing. Allele origin: germline.
Comment: The p.R1865P variant (also known as c.5594G>C), located in coding exon 40 of the HUWE1 gene, results from a G to C substitution at nucleotide position 5594. The arginine at codon 1865 is replaced by proline, an amino acid with dissimilar properties. This amino acid position is highly conserved in available vertebrate species. In addition, this alteration is predicted to be deleterious by in silico analysis. Since supporting evidence is limited at this time, the clinical significance of this alteration remains unclear.